The following is an entry in ClinVar:

ClinVar aggregate classification (germline): Uncertain significance (1 of 4 stars; one submission).

Conditions:
Baller-Gerold syndrome (BGS). Also called: CRANIOSYNOSTOSIS WITH RADIAL DEFECTS. Identifiers: Orphanet 1225, MedGen C0265308, MONDO:0009039, OMIM 218600.

Allele frequency attached by ClinVar (database versions not stated): gnomAD exomes below 0.00001 and 0.00001; ExAC 0.00002.
gnomAD v4.1: 4 of 1,604,750 alleles (0.00025%); highest among the groups gnomAD compares: South Asian, 0.0011%; no homozygotes.

Submission:

Labcorp Genetics (formerly Invitae), Labcorp
Classification: Uncertain significance for Baller-Gerold syndrome. Last evaluated: 2023-01-13. Review status: criteria provided, single submitter. Criteria: Invitae Variant Classification Sherloc (09022015). Collection method: clinical testing. Allele origin: germline.
Comment: In summary, the available evidence is currently insufficient to determine the role of this variant in disease. Therefore, it has been classified as a Variant of Uncertain Significance. Experimental studies and prediction algorithms are not available or were not evaluated, and the functional significance of this variant is currently unknown. ClinVar contains an entry for this variant (Variation ID: 1385595). This variant has not been reported in the literature in individuals affected with RECQL4-related conditions. This variant is present in population databases (rs746791320, gnomAD 0.003%). This sequence change replaces aspartic acid, which is acidic and polar, with asparagine, which is neutral and polar, at codon 157 of the RECQL4 protein (p.Asp157Asn).

NM_004260.4(RECQL4):c.469G>A (p.Asp157Asn)

Gene: RECQL4 (RecQ like helicase 4; minus strand). Cytogenetic location: 8q24.3.
Variant type: single nucleotide variant.
Coding change: c.469G>A on transcript NM_004260.4 (MANE Select); coding-DNA position 469, G replaced by A.
Protein change: p.Asp157Asn; replaces aspartic acid 157 with asparagine.
Molecular consequence: missense variant.
Genome position (GRCh38, 1-based): chr8:144,516,650, C>T on the plus strand (G>A on the coding strand, the complement: RECQL4 is on the minus strand). VCF-style: chr8-144516650-C-T. GRCh37 (hg19) VCF-style: chr8-145742034-C-T.
Other names: short protein forms D157N.
Identifiers: ClinVar variation 1385595 (VCV001385595.6), dbSNP rs746791320, ClinGen allele CA4949281.
Genomic context (GRCh38, chr8:144,516,650, plus strand): 5'-CCTGCAGATGCTGGAGCCGGCCTGGCCTTGGCTGGGGCTCAGGGAGCTGTGGAGGCTCAT[C>T]ACTGACTTTTTCTGCAAAGGAGGGGACAGGCCCTGTACCTGGGGGCTTTGGGGTGGATGC-3'
Protein context (NP_004251.4, residues 147-167): PVPSFAEKVS[Asp157Asn]EPPQLPEPQP